The following is an entry in ClinVar:

ClinVar aggregate classification (germline): Uncertain significance (1 of 4 stars; one submission).

Conditions:
Inborn genetic diseases. Identifiers: MedGen C0950123, MeSH D030342.

Submission:

Ambry Genetics
Classification: Uncertain significance for Inborn genetic diseases. Last evaluated: 2025-03-28. Review status: criteria provided, single submitter. Criteria: Ambry Variant Classification Scheme 2023. Collection method: clinical testing. Allele origin: germline.
Comment: The p.R59S variant (also known as c.175C>A), located in coding exon 1 of the SH2B3 gene, results from a C to A substitution at nucleotide position 175. The arginine at codon 59 is replaced by serine, an amino acid with dissimilar properties. This amino acid position is conserved. In addition, this alteration is predicted to be tolerated by in silico analysis. Based on the available evidence, the clinical significance of this variant remains unclear.

NM_005475.3(SH2B3):c.175C>A (p.Arg59Ser)

Gene: SH2B3 (SH2B adaptor protein 3; plus strand). Cytogenetic location: 12q24.12.
Variant type: single nucleotide variant.
Coding change: c.175C>A on transcript NM_005475.3 (MANE Select); coding-DNA position 175, C replaced by A.
Protein change: p.Arg59Ser; replaces arginine 59 with serine.
Molecular consequence: missense variant.
Genome position (GRCh38, 1-based): chr12:111,418,320, C>A. VCF-style: chr12-111418320-C-A. GRCh37 (hg19) VCF-style: chr12-111856124-C-A.
Other names: short protein forms R59S.
Identifiers: ClinVar variation 3953394 (VCV003953394.1).